The following is an entry in ClinVar:

NM_001943.5(DSG2):c.1820A>T (p.Tyr607Phe)

Gene: DSG2 (desmoglein 2; plus strand). Cytogenetic location: 18q12.1.
Variant type: single nucleotide variant.
Coding change: c.1820A>T on transcript NM_001943.5 (MANE Select); coding-DNA position 1820, A replaced by T.
Protein change: p.Tyr607Phe; replaces tyrosine 607 with phenylalanine.
Molecular consequence: missense variant.
Genome position (GRCh38, 1-based): chr18:31,538,919, A>T. VCF-style: chr18-31538919-A-T. GRCh37 (hg19) VCF-style: chr18-29118882-A-T.
Other names: short protein forms Y607F.
Identifiers: ClinVar variation 964404 (VCV000964404.9), dbSNP rs766843045, ClinGen allele CA402137964.

ClinVar aggregate classification (germline): Uncertain significance (1 of 4 stars; one submission).

Conditions:
Arrhythmogenic right ventricular dysplasia 10. Also called: Arrhythmogenic Right Ventricular Dysplasia/Cardiomyopathy10; Arrhythmogenic right ventricular dysplasia/cardiomyopathy, type 10; ARRHYTHMOGENIC RIGHT VENTRICULAR DYSPLASIA, FAMILIAL, 10. Identifiers: MedGen C1857777, MONDO:0012434, OMIM 610193.

Allele frequency attached by ClinVar (database versions not stated): TOPMed 0.00001.
gnomAD v4.1: 3 of 1,613,982 alleles (0.00019%); highest among the groups gnomAD compares: Non-Finnish European, 0.000085%; no homozygotes.

Submission:

Labcorp Genetics (formerly Invitae), Labcorp
Classification: Uncertain significance for Arrhythmogenic right ventricular dysplasia 10. Last evaluated: 2019-10-15. Review status: criteria provided, single submitter. Criteria: Invitae Variant Classification Sherloc (09022015). Collection method: clinical testing. Allele origin: germline.
Comment: In summary, the available evidence is currently insufficient to determine the role of this variant in disease. Therefore, it has been classified as a Variant of Uncertain Significance. Algorithms developed to predict the effect of missense changes on protein structure and function (SIFT, PolyPhen-2, Align-GVGD) all suggest that this variant is likely to be tolerated, but these predictions have not been confirmed by published functional studies and their clinical significance is uncertain. This variant has not been reported in the literature in individuals with DSG2-related conditions. This variant is not present in population databases (ExAC no frequency). This sequence change replaces tyrosine with phenylalanine at codon 607 of the DSG2 protein (p.Tyr607Phe). The tyrosine residue is moderately conserved and there is a small physicochemical difference between tyrosine and phenylalanine.